The following is an entry in ClinVar:

NM_005751.5(AKAP9):c.2447_2448del (p.Ser816fs)

Gene: AKAP9 (A-kinase anchoring protein 9; plus strand). Cytogenetic location: 7q21.2.
Variant type: Microsatellite.
Coding change: c.2447_2448del on transcript NM_005751.5 (MANE Select); coding-DNA positions 2447 to 2448, 2 bases deleted (CT; older notation c.2447_2448delCT).
Protein change: p.Ser816fs; shifts the reading frame from serine 816.
Molecular consequence: frameshift variant.
Genome position (GRCh38, 1-based): chr7:92,002,364-92,002,365, CT deleted; deleting any 2 consecutive bases within chr7:92,002,362-92,002,365 gives the same sequence; the c. name uses the placement nearest the transcript's 3' end. VCF-style (leftmost placement, unchanged base first): chr7-92002361-ACT-A. GRCh37 (hg19) VCF-style: chr7-91631675-ACT-A.
Other names: c.2445_2446CT[1], p.Ser816Cysfs (NM_005751.4); c.2447_2448del, p.Ser816fs (NM_147185.3); c.2447_2448delCT (NM_005751.4); short protein forms S816fs.
Identifiers: ClinVar variation 1791401 (VCV001791401.2), dbSNP rs2484693623, ClinGen allele CA2580615917.

ClinVar aggregate classification (germline): Uncertain significance (1 of 4 stars; one submission).

Conditions:
Cardiovascular phenotype. Identifiers: MedGen CN230736.

Submission:

Ambry Genetics
Classification: Uncertain significance for Cardiovascular phenotype. Last evaluated: 2018-12-19. Review status: criteria provided, single submitter. Criteria: Ambry Variant Classification Scheme 2023. Collection method: clinical testing. Allele origin: germline.
Comment: The c.2447_2448delCT variant, located in coding exon 8 of the AKAP9 gene, results from a deletion of two nucleotides at nucleotide positions 2447 to 2448, causing a translational frameshift with a predicted alternate stop codon (p.S816Cfs*14). These nucleotide positions are not well conserved in available vertebrate species. This alteration is expected to result in loss of function by premature protein truncation or nonsense-mediated mRNA decay. However, loss of function of AKAP9 has not been clearly established as a mechanism of disease. Since supporting evidence is limited at this time, the clinical significance of this alteration remains unclear.